The following is an entry in ClinVar:

NM_000535.7(PMS2):c.2190C>G (p.Asn730Lys)

Gene: PMS2 (PMS1 homolog 2, mismatch repair system component; minus strand). Cytogenetic location: 7p22.1.
Variant type: single nucleotide variant.
Coding change: c.2190C>G on transcript NM_000535.7 (MANE Select); coding-DNA position 2190, C replaced by G.
Protein change: p.Asn730Lys; replaces asparagine 730 with lysine.
Molecular consequence: missense variant. On other transcripts: non-coding transcript variant (1).
Genome position (GRCh38, 1-based): chr7:5,978,681, G>C on the plus strand (C>G on the coding strand, the complement: PMS2 is on the minus strand). VCF-style: chr7-5978681-G-C. GRCh37 (hg19) VCF-style: chr7-6018312-G-C.
Other names: c.2190C>G, p.Asn730Lys (NM_001322014.2); c.1881C>G, p.Asn627Lys (NM_001322015.2, NM_001406875.1, NM_001406877.1 and 5 more transcripts); c.2376C>G, p.Asn792Lys (NM_001406866.1); c.2214C>G, p.Asn738Lys (NM_001406868.1); c.2082C>G, p.Asn694Lys (NM_001406869.1); c.2034C>G, p.Asn678Lys (NM_001406870.1, NM_001322006.2); c.2022C>G, p.Asn674Lys (NM_001406872.1, NM_001406874.1); c.1992C>G, p.Asn664Lys (NM_001406873.1); and 14 more; short protein forms N539K, N543K, N595K, N674K, N473K, N559K, N622K, N624K.
Identifiers: ClinVar variation 1787420 (VCV001787420.7), dbSNP rs756337875, ClinGen allele CA366736910.

ClinVar aggregate classification (germline): Uncertain significance. Review status: criteria provided, multiple submitters, no conflicts (2 of 4 stars). 2 submissions from 2 submitters: Uncertain significance (2). Last evaluated 2025-08-25.

Conditions:
Hereditary nonpolyposis colorectal neoplasms. Identifiers: MedGen C0009405, MeSH D003123.
Hereditary cancer-predisposing syndrome. Also called: Neoplastic Syndromes, Hereditary; Tumor predisposition; Hereditary Cancer Syndrome; Hereditary neoplastic syndrome. Identifiers: Orphanet 140162, MedGen C0027672, MeSH D009386, MONDO:0015356.

Submissions (2):

Labcorp Genetics (formerly Invitae), Labcorp
Classification: Uncertain significance for Hereditary nonpolyposis colorectal neoplasms. Last evaluated: 2025-08-25. Review status: criteria provided, single submitter. Criteria: Invitae Variant Classification Sherloc (09022015). Collection method: clinical testing. Allele origin: germline.
Comment: This sequence change replaces asparagine, which is neutral and polar, with lysine, which is basic and polar, at codon 730 of the PMS2 protein (p.Asn730Lys). The frequency data for this variant in the population databases (gnomAD) is considered unreliable due to the presence of homologous sequence, such as pseudogenes or paralogs, in the genome. This variant has not been reported in the literature in individuals affected with PMS2-related conditions. ClinVar contains an entry for this variant (Variation ID: 1787420). Invitae Evidence Modeling incorporating data from in vitro experimental studies (internal data) indicates that this missense variant is not expected to disrupt PMS2 function with a negative predictive value of 95%. In summary, the available evidence is currently insufficient to determine the role of this variant in disease. Therefore, it has been classified as a Variant of Uncertain Significance.

Ambry Genetics
Classification: Uncertain significance for Hereditary cancer-predisposing syndrome. Last evaluated: 2022-06-17. Review status: criteria provided, single submitter. Criteria: Ambry Variant Classification Scheme 2023. Collection method: clinical testing. Allele origin: germline.
Comment: The p.N730K variant (also known as c.2190C>G), located in coding exon 13 of the PMS2 gene, results from a C to G substitution at nucleotide position 2190. The asparagine at codon 730 is replaced by lysine, an amino acid with similar properties. This amino acid position is conserved. In addition, this alteration is predicted to be tolerated by in silico analysis. Since supporting evidence is limited at this time, the clinical significance of this alteration remains unclear.